The following is an entry in ClinVar:

ClinVar aggregate classification (germline): Conflicting classifications of pathogenicity. Review status: criteria provided, conflicting classifications (1 of 4 stars). 2 submissions from 2 submitters: Uncertain significance (1); Likely benign (1). Last evaluated 2024-11-10.

Conditions:
Inborn genetic diseases. Identifiers: MedGen C0950123, MeSH D030342.

Allele frequency attached by ClinVar (database versions not stated): gnomAD exomes below 0.00001 and 0.00001; ExAC 0.00001.
gnomAD v4.1: 6 of 1,612,520 alleles (0.00037%); highest among the groups gnomAD compares: South Asian, 0.0033%; no homozygotes.

Submissions (2):

Ambry Genetics
Classification: Likely benign for Inborn genetic diseases. Last evaluated: 2024-11-10. Review status: criteria provided, single submitter. Criteria: Ambry Variant Classification Scheme 2023. Collection method: clinical testing. Allele origin: germline.

Labcorp Genetics (formerly Invitae), Labcorp
Classification: Uncertain significance. Last evaluated: 2021-09-17. Review status: criteria provided, single submitter. Criteria: Invitae Variant Classification Sherloc (09022015). Collection method: clinical testing. Allele origin: germline.
Comment: In summary, the available evidence is currently insufficient to determine the role of this variant in disease. Therefore, it has been classified as a Variant of Uncertain Significance. Algorithms developed to predict the effect of sequence changes on RNA splicing suggest that this variant may create or strengthen a splice site. Algorithms developed to predict the effect of missense changes on protein structure and function output the following: SIFT: "Tolerated"; PolyPhen-2: "Benign"; Align-GVGD: "Class C0". The glycine amino acid residue is found in multiple mammalian species, which suggests that this missense change does not adversely affect protein function. This variant has not been reported in the literature in individuals affected with PLAA-related conditions. This variant is present in population databases (rs765755261, ExAC 0.006%). This sequence change replaces serine with glycine at codon 506 of the PLAA protein (p.Ser506Gly). The serine residue is weakly conserved and there is a small physicochemical difference between serine and glycine.

NM_001031689.3(PLAA):c.1516A>G (p.Ser506Gly)

Gene: PLAA (phospholipase A2 activating protein; minus strand). Cytogenetic location: 9p21.2.
Variant type: single nucleotide variant.
Coding change: c.1516A>G on transcript NM_001031689.3 (MANE Select); coding-DNA position 1516, A replaced by G.
Protein change: p.Ser506Gly; replaces serine 506 with glycine.
Molecular consequence: missense variant.
Genome position (GRCh38, 1-based): chr9:26,913,918, T>C on the plus strand (A>G on the coding strand, the complement: PLAA is on the minus strand). VCF-style: chr9-26913918-T-C. GRCh37 (hg19) VCF-style: chr9-26913916-T-C.
Other names: c.1447A>G, p.Ser483Gly (NM_001321546.2); c.1516A>G (NM_001031689.2); short protein forms S506G, S483G.
Identifiers: ClinVar variation 1519694 (VCV001519694.6), dbSNP rs765755261, ClinGen allele CA5014323.